The following is an entry in ClinVar:

NM_015192.4(PLCB1):c.550C>T (p.Arg184Ter)

Gene: PLCB1 (phospholipase C beta 1; plus strand). Cytogenetic location: 20p12.3.
Variant type: single nucleotide variant.
Coding change: c.550C>T on transcript NM_015192.4 (MANE Select); coding-DNA position 550, C replaced by T.
Protein change: p.Arg184Ter; replaces arginine 184 with a stop codon.
Molecular consequence: nonsense.
Genome position (GRCh38, 1-based): chr20:8,649,405, C>T. VCF-style: chr20-8649405-C-T. GRCh37 (hg19) VCF-style: chr20-8630052-C-T.
Other names: c.550C>T, p.Arg184Ter (NM_182734.3); short protein forms R184*.
Identifiers: ClinVar variation 3903186 (VCV003903186.1).

ClinVar aggregate classification (germline): Pathogenic (1 of 4 stars; one submission).

gnomAD v4.1: 5 of 1,613,438 alleles (0.00031%); highest among the groups gnomAD compares: Non-Finnish European, 0.00042%; no homozygotes.

Submission:

GeneDx
Classification: Pathogenic. Last evaluated: 2024-12-09. Review status: criteria provided, single submitter. Criteria: GeneDx Variant Classification Process June 2021. Collection method: clinical testing. Allele origin: germline. Affected: yes.
Comment: Nonsense variant predicted to result in protein truncation or nonsense mediated decay in a gene for which loss of function is a known mechanism of disease; Not observed at significant frequency in large population cohorts (gnomAD); This variant is associated with the following publications: (PMID: 33101984, 31054490)